The following is an entry in ClinVar:

ClinVar aggregate classification (germline): Uncertain significance (1 of 4 stars; one submission).

Conditions:
Familial hypocalciuric hypercalcemia (FHH). Also called: Familial benign hypercalcemia. Identifiers: Orphanet 405, MedGen C1809471, MONDO:0018458.
Autosomal dominant hypocalcemia 1 (HYPOC1). Also called: HYPOCALCEMIA, FAMILIAL. Identifiers: MedGen C3715128, MONDO:0011013, OMIM 601198.

Submission:

Labcorp Genetics (formerly Invitae), Labcorp
Classification: Uncertain significance for Familial hypocalciuric hypercalcemia; Autosomal dominant hypocalcemia 1. Last evaluated: 2024-07-09. Review status: criteria provided, single submitter. Criteria: Invitae Variant Classification Sherloc (09022015). Collection method: clinical testing. Allele origin: germline.
Comment: This sequence change replaces isoleucine, which is neutral and non-polar, with threonine, which is neutral and polar, at codon 841 of the CASR protein (p.Ile841Thr). This variant is not present in population databases (gnomAD no frequency). This variant has not been reported in the literature in individuals affected with CASR-related conditions. An algorithm developed to predict the effect of missense changes on protein structure and function (PolyPhen-2) suggests that this variant is likely to be disruptive. In summary, the available evidence is currently insufficient to determine the role of this variant in disease. Therefore, it has been classified as a Variant of Uncertain Significance.

NM_000388.4(CASR):c.2522T>C (p.Ile841Thr)

Gene: CASR (calcium sensing receptor; plus strand). Cytogenetic location: 3q21.1.
Variant type: single nucleotide variant.
Coding change: c.2522T>C on transcript NM_000388.4 (MANE Select); coding-DNA position 2522, T replaced by C.
Protein change: p.Ile841Thr; replaces isoleucine 841 with threonine.
Molecular consequence: missense variant.
Genome position (GRCh38, 1-based): chr3:122,284,476, T>C. VCF-style: chr3-122284476-T-C. GRCh37 (hg19) VCF-style: chr3-122003323-T-C.
Other names: c.2552T>C, p.Ile851Thr (NM_001178065.2); short protein forms I841T, I851T.
Identifiers: ClinVar variation 3757195 (VCV003757195.2).